The following is an entry in ClinVar:

NM_001127222.2(CACNA1A):c.6642C>T (p.His2214=)

Gene: CACNA1A (calcium voltage-gated channel subunit alpha1 A; minus strand). Cytogenetic location: 19p13.13.
Variant type: single nucleotide variant.
Coding change: c.6642C>T on transcript NM_001127222.2 (MANE Select); coding-DNA position 6642, C replaced by T.
Protein change: p.His2214=; no amino-acid change (histidine 2214 retained).
Molecular consequence: synonymous variant.
Genome position (GRCh38, 1-based): chr19:13,208,894, G>A on the plus strand (C>T on the coding strand, the complement: CACNA1A is on the minus strand). VCF-style: chr19-13208894-G-A. GRCh37 (hg19) VCF-style: chr19-13319708-G-A.
Other names: c.6660C>T, p.His2220= (NM_000068.4, NM_023035.3); c.6645C>T, p.His2215= (NM_001127221.2); c.6651C>T, p.His2217= (NM_001174080.2).
Identifiers: ClinVar variation 1979081 (VCV001979081.8), dbSNP rs1459317798, ClinGen allele CA505659269.
Genomic context (GRCh38, chr19:13,208,894, plus strand): 5'-GTCCGGCCGTTCCTGGGCATAGCGGTCCTTGTCGGGGGGCGGGGGATGGTGGTGGTGGTG[G>A]TGGTGGTGGTGGTGCTGTCGATGCTTCCGATCCTTGGGCCGGCCCCGCTCCTGGTCCCGC-3'
Protein context (NP_001120694.1, residues 2204-2224): DRKHRQHHHH[His2214=]HHHHHPPPPD

ClinVar aggregate classification (germline): Likely benign. Review status: criteria provided, multiple submitters, no conflicts (2 of 4 stars). 2 submissions from 2 submitters: Likely benign (2). Last evaluated 2026-01-01.

Conditions:
Developmental and epileptic encephalopathy, 42 (DEE42A). Also called: EPILEPTIC ENCEPHALOPATHY, EARLY INFANTILE, 42A; Epileptic encephalopathy, early infantile, 42; DEVELOPMENTAL AND EPILEPTIC ENCEPHALOPATHY 42A. Identifiers: MedGen C4310716, MONDO:0014917, OMIM 617106.
Episodic ataxia type 2 (EA2). Also called: ATAXIA, EPISODIC, WITH NYSTAGMUS; ATAXIA, FAMILIAL PAROXYSMAL; CEREBELLAR ATAXIA, PAROXYSMAL, ACETAZOLAMIDE-RESPONSIVE; CEREBELLOPATHY, HEREDITARY PAROXYSMAL; EPISODIC ATAXIA, NYSTAGMUS-ASSOCIATED; ACETAZOLAMIDE-RESPONSIVE HEREDITARY PAROXYSMAL CEREBELLAR ATAXIA. Identifiers: Orphanet 97, MedGen C1720416, MONDO:0007163, OMIM 108500.

Allele frequency attached by ClinVar (database versions not stated): TOPMed below 0.00001; gnomAD exomes 0.00003.
gnomAD v4.1: 40 of 1,535,560 alleles (0.0026%); highest among the groups gnomAD compares: Non-Finnish European, 0.0032%; no homozygotes.

Submissions (2):

CeGaT Center for Human Genetics Tuebingen
Classification: Likely benign. Last evaluated: 2026-01-01. Review status: criteria provided, single submitter. Criteria: CeGaT Center For Human Genetics Tuebingen Variant Classification Criteria Version 2. Collection method: clinical testing. Allele origin: germline. Affected: yes. Observed: 1 variant allele.
Comment: CACNA1A: BP4, BP7

Labcorp Genetics (formerly Invitae), Labcorp
Classification: Likely benign for Developmental and epileptic encephalopathy, 42; Episodic ataxia type 2. Last evaluated: 2024-06-07. Review status: criteria provided, single submitter. Criteria: Invitae Variant Classification Sherloc (09022015). Collection method: clinical testing. Allele origin: germline.